The following is an entry in ClinVar:

NC_000007.14:g.(?_117478787)_(117480271_?)del

Gene: CFTR (CF transmembrane conductance regulator; plus strand). Cytogenetic location: 7q31.2.
Variant type: Deletion.
Identifiers: ClinVar variation 831746 (VCV000831746.5).

ClinVar aggregate classification (germline): Pathogenic (1 of 4 stars; one submission).

Conditions:
Cystic fibrosis (CF). Also called: MUCOVISCIDOSIS. Identifiers: Orphanet 586, MedGen C0010674, MONDO:0009061, OMIM 219700. Disease mechanism: loss of function.

Submission:

Labcorp Genetics (formerly Invitae), Labcorp
Classification: Pathogenic for Cystic fibrosis. Last evaluated: 2022-06-07. Review status: criteria provided, single submitter. Criteria: Invitae Variant Classification Sherloc (09022015). Collection method: clinical testing. Allele origin: germline.
Comment: This variant is a gross deletion of the genomic region encompassing exon(s) 1 of the CFTR gene, which includes the initiator codon. This deletion extends beyond the assayed region for this gene and therefore may encompass additional genes. It is expected to result in an absent or disrupted protein product. Loss-of-function variants in CFTR are known to be pathogenic (PMID: 1695717, 7691345, 9725922). A similar copy number variant has been observed in individual(s) with cystic fibrosis (PMID: 16362824). It has also been observed to segregate with disease in related individuals. For these reasons, this variant has been classified as Pathogenic.

Literature cited by the submitters: PubMed 1695717; PubMed 7691345; PubMed 9725922; PubMed 16362824.